The following is an entry in ClinVar:

ClinVar aggregate classification (germline): Uncertain significance (1 of 4 stars; one submission).

Conditions:
Early-infantile DEE. Also called: Early infantile epileptic encephalopathy; Ohtahara syndrome; Early infantile epileptic encephalopathy with suppression bursts. Identifiers: Orphanet 1934, MedGen C0393706, MONDO:0800491.

Allele frequency attached by ClinVar (database versions not stated): TOPMed 0.00001.
gnomAD v4.1: 3 of 1,597,330 alleles (0.00019%); highest among the groups gnomAD compares: African/African-American, 0.0013%; no homozygotes.

Submission:

Labcorp Genetics (formerly Invitae), Labcorp
Classification: Uncertain significance for Early-infantile DEE. Last evaluated: 2022-08-23. Review status: criteria provided, single submitter. Criteria: Invitae Variant Classification Sherloc (09022015). Collection method: clinical testing. Allele origin: germline.
Comment: In summary, the available evidence is currently insufficient to determine the role of this variant in disease. Therefore, it has been classified as a Variant of Uncertain Significance. Algorithms developed to predict the effect of missense changes on protein structure and function (SIFT, PolyPhen-2, Align-GVGD) all suggest that this variant is likely to be tolerated. ClinVar contains an entry for this variant (Variation ID: 1396580). This variant has not been reported in the literature in individuals affected with SCN8A-related conditions. This variant is not present in population databases (gnomAD no frequency). This sequence change replaces glutamic acid, which is acidic and polar, with lysine, which is basic and polar, at codon 1116 of the SCN8A protein (p.Glu1116Lys).

NM_001330260.2(SCN8A):c.3346G>A (p.Glu1116Lys)

Gene: SCN8A (sodium voltage-gated channel alpha subunit 8; plus strand). Cytogenetic location: 12q13.13.
Variant type: single nucleotide variant.
Coding change: c.3346G>A on transcript NM_001330260.2 (MANE Select); coding-DNA position 3346, G replaced by A.
Protein change: p.Glu1116Lys; replaces glutamic acid 1116 with lysine.
Molecular consequence: missense variant.
Genome position (GRCh38, 1-based): chr12:51,769,309, G>A. VCF-style: chr12-51769309-G-A. GRCh37 (hg19) VCF-style: chr12-52163093-G-A.
Other names: c.3346G>A, p.Glu1116Lys (NM_001177984.3, NM_001369788.1, NM_014191.4); short protein forms E1116K.
Identifiers: ClinVar variation 1396580 (VCV001396580.8), dbSNP rs1555226176, ClinGen allele CA384893855.